The following is an entry in ClinVar:

ClinVar aggregate classification (germline): Uncertain significance. Review status: criteria provided, multiple submitters, no conflicts (2 of 4 stars). 2 submissions from 2 submitters: Uncertain significance (2). Last evaluated 2025-06-11.

Conditions:
Inborn genetic diseases. Identifiers: MedGen C0950123, MeSH D030342.

Allele frequency attached by ClinVar (database versions not stated): ExAC 0.00001; gnomAD 0.00001; TOPMed 0.00001; gnomAD exomes 0.00002 and 0.00003.
gnomAD v4.1: 24 of 1,613,506 alleles (0.0015%); highest among the groups gnomAD compares: Non-Finnish European, 0.002%; no homozygotes.

Submissions (2):

Ambry Genetics
Classification: Uncertain significance for Inborn genetic diseases. Last evaluated: 2025-06-11. Review status: criteria provided, single submitter. Criteria: Ambry Variant Classification Scheme 2023. Collection method: clinical testing. Allele origin: germline.

Labcorp Genetics (formerly Invitae), Labcorp
Classification: Uncertain significance. Last evaluated: 2024-10-25. Review status: criteria provided, single submitter. Criteria: Invitae Variant Classification Sherloc (09022015). Collection method: clinical testing. Allele origin: germline.
Comment: This sequence change replaces aspartic acid, which is acidic and polar, with valine, which is neutral and non-polar, at codon 114 of the NDUFA9 protein (p.Asp114Val). This variant is present in population databases (rs765033754, gnomAD 0.006%). This variant has not been reported in the literature in individuals affected with NDUFA9-related conditions. ClinVar contains an entry for this variant (Variation ID: 1347863). An algorithm developed to predict the effect of missense changes on protein structure and function (PolyPhen-2) suggests that this variant is likely to be disruptive. In summary, the available evidence is currently insufficient to determine the role of this variant in disease. Therefore, it has been classified as a Variant of Uncertain Significance.

NM_005002.5(NDUFA9):c.341A>T (p.Asp114Val)

Gene: NDUFA9 (NADH:ubiquinone oxidoreductase subunit A9; plus strand). Cytogenetic location: 12p13.32.
Variant type: single nucleotide variant.
Coding change: c.341A>T on transcript NM_005002.5 (MANE Select); coding-DNA position 341, A replaced by T.
Protein change: p.Asp114Val; replaces aspartic acid 114 with valine.
Molecular consequence: missense variant.
Genome position (GRCh38, 1-based): chr12:4,657,770, A>T. VCF-style: chr12-4657770-A-T. GRCh37 (hg19) VCF-style: chr12-4766936-A-T.
Other names: c.341A>T (NM_005002.4); short protein forms D114V.
Identifiers: ClinVar variation 1347863 (VCV001347863.7), dbSNP rs765033754, ClinGen allele CA6398072.